The following is an entry in ClinVar:

NM_144670.6(A2ML1):c.892A>T (p.Met298Leu)

Gene: A2ML1 (alpha-2-macroglobulin like 1; plus strand). Cytogenetic location: 12p13.31.
Variant type: single nucleotide variant.
Coding change: c.892A>T on transcript NM_144670.6 (MANE Select); coding-DNA position 892, A replaced by T.
Protein change: p.Met298Leu; replaces methionine 298 with leucine.
Molecular consequence: missense variant.
Genome position (GRCh38, 1-based): chr12:8,838,372, A>T. VCF-style: chr12-8838372-A-T. GRCh37 (hg19) VCF-style: chr12-8990968-A-T.
Other names: short protein forms M298L.
Identifiers: ClinVar variation 1765144 (VCV001765144.8), dbSNP rs776642180, ClinGen allele CA6435470.

ClinVar aggregate classification (germline): Uncertain significance. Review status: criteria provided, multiple submitters, no conflicts (2 of 4 stars). 2 submissions from 2 submitters: Uncertain significance (2). Last evaluated 2024-09-20.

Allele frequency attached by ClinVar (database versions not stated): gnomAD exomes below 0.00001; ExAC 0.00001; TOPMed 0.00001; gnomAD 0.00002.
gnomAD v4.1: 6 of 1,613,756 alleles (0.00037%); highest among the groups gnomAD compares: African/African-American, 0.008%; no homozygotes.

Submissions (2):

Ambry Genetics
Classification: Uncertain significance. Last evaluated: 2024-09-20. Review status: criteria provided, single submitter. Criteria: Ambry Variant Classification Scheme 2023. Collection method: clinical testing. Allele origin: germline.
Comment: The p.M298L variant (also known as c.892A>T), located in coding exon 9 of the A2ML1 gene, results from an A to T substitution at nucleotide position 892. The methionine at codon 298 is replaced by leucine, an amino acid with highly similar properties. This amino acid position is conserved. In addition, this alteration is predicted to be tolerated by in silico analysis. Since supporting evidence is limited at this time, the clinical significance of this alteration remains unclear.

Labcorp Genetics (formerly Invitae), Labcorp
Classification: Uncertain significance. Last evaluated: 2024-03-02. Review status: criteria provided, single submitter. Criteria: Invitae Variant Classification Sherloc (09022015). Collection method: clinical testing. Allele origin: germline.
Comment: This sequence change replaces methionine, which is neutral and non-polar, with leucine, which is neutral and non-polar, at codon 298 of the A2ML1 protein (p.Met298Leu). This variant is present in population databases (rs776642180, gnomAD 0.007%). This variant has not been reported in the literature in individuals affected with A2ML1-related conditions. ClinVar contains an entry for this variant (Variation ID: 1765144). An algorithm developed to predict the effect of missense changes on protein structure and function (PolyPhen-2) suggests that this variant is likely to be tolerated. In summary, the available evidence is currently insufficient to determine the role of this variant in disease. Therefore, it has been classified as a Variant of Uncertain Significance.